The following is an entry in ClinVar:

NM_015021.3(ZNF292):c.8119T>A (p.Ser2707Thr)

Gene: ZNF292 (zinc finger protein 292; plus strand). Cytogenetic location: 6q14.3.
Variant type: single nucleotide variant.
Coding change: c.8119T>A on transcript NM_015021.3 (MANE Select); coding-DNA position 8119, T replaced by A.
Protein change: p.Ser2707Thr; replaces serine 2707 with threonine.
Molecular consequence: missense variant.
Genome position (GRCh38, 1-based): chr6:87,261,748, T>A. VCF-style: chr6-87261748-T-A. GRCh37 (hg19) VCF-style: chr6-87971466-T-A.
Other names: c.7699T>A, p.Ser2567Thr (NM_001351444.2); short protein forms S2567T, S2707T.
Identifiers: ClinVar variation 4076353 (VCV004076353.1).

ClinVar aggregate classification (germline): Uncertain significance (1 of 4 stars; one submission).

Conditions:
Intellectual developmental disorder, autosomal dominant 64. Also called: MENTAL RETARDATION, AUTOSOMAL DOMINANT 64. Identifiers: MedGen C5543067, MONDO:0030934, OMIM 619188.

Submission:

Laboratorio de Genetica e Diagnostico Molecular, Hospital Israelita Albert Einstein
Classification: Uncertain significance for Intellectual developmental disorder, autosomal dominant 64. Last evaluated: 2024-04-12. Review status: criteria provided, single submitter. Criteria: ACMG Guidelines, 2015. Collection method: clinical testing. Allele origin: germline. Affected: yes.
Comment: ACMG classification criteria: PM2 supporting, BP4 supporting